The following is an entry in ClinVar:

NM_001130438.3(SPTAN1):c.279G>A (p.Gln93=)

Gene: SPTAN1 (spectrin alpha, non-erythrocytic 1; plus strand). Cytogenetic location: 9q34.11.
Variant type: single nucleotide variant.
Coding change: c.279G>A on transcript NM_001130438.3 (MANE Select); coding-DNA position 279, G replaced by A.
Protein change: p.Gln93=; no amino-acid change (glutamine 93 retained).
Molecular consequence: synonymous variant.
Genome position (GRCh38, 1-based): chr9:128,568,813, G>A. VCF-style: chr9-128568813-G-A. GRCh37 (hg19) VCF-style: chr9-131331092-G-A.
Other names: p.Gln93=; c.279G>A, p.Gln93= (NM_001195532.2, NM_001363759.2, NM_001363765.2 and 5 more transcripts); c.315G>A, p.Gln105= (NM_001375312.2, NM_001375318.1).
Identifiers: ClinVar variation 1077413 (VCV001077413.11), dbSNP rs1238640716, ClinGen allele CA467294673.

ClinVar aggregate classification (germline): Likely benign. Review status: criteria provided, multiple submitters, no conflicts (2 of 4 stars). 2 submissions from 2 submitters: Likely benign (2). Last evaluated 2025-01-02.

Conditions:
Early-infantile DEE. Also called: Ohtahara syndrome; Early infantile epileptic encephalopathy with suppression bursts; Early infantile epileptic encephalopathy. Identifiers: Orphanet 1934, MedGen C0393706, MONDO:0800491.

Allele frequency attached by ClinVar (database versions not stated): gnomAD exomes below 0.00001 and 0.00001.
gnomAD v4.1: 6 of 1,614,116 alleles (0.00037%); highest among the groups gnomAD compares: South Asian, 0.0022%; no homozygotes.

Submissions (2):

Mayo Clinic Laboratories, Mayo Clinic
Classification: Likely benign. Last evaluated: 2025-01-02. Review status: criteria provided, single submitter. Criteria: ACMG Guidelines, 2015. Collection method: clinical testing. Allele origin: germline. Observed: 1 variant allele.
Comment: BP4, BP7

Labcorp Genetics (formerly Invitae), Labcorp
Classification: Likely benign for Early-infantile DEE. Last evaluated: 2022-08-16. Review status: criteria provided, single submitter. Criteria: Invitae Variant Classification Sherloc (09022015). Collection method: clinical testing. Allele origin: germline.